The following is an entry in ClinVar:

NM_001077365.2(POMT1):c.641T>C (p.Val214Ala)

Gene: POMT1 (protein O-mannosyltransferase 1; plus strand). Cytogenetic location: 9q34.13.
Variant type: single nucleotide variant.
Coding change: c.641T>C on transcript NM_001077365.2 (MANE Select); coding-DNA position 641, T replaced by C.
Protein change: p.Val214Ala; replaces valine 214 with alanine.
Molecular consequence: missense variant. On other transcripts: non-coding transcript variant (10).
Genome position (GRCh38, 1-based): chr9:131,509,938, T>C. VCF-style: chr9-131509938-T-C. GRCh37 (hg19) VCF-style: chr9-134385325-T-C.
Other names: c.479T>C, p.Val160Ala (NM_001077366.2, NM_001353194.2, NM_001353197.2 and 3 more transcripts); c.641T>C, p.Val214Ala (NM_001136113.2, NM_001353193.2, NM_001374690.1 and 1 more transcripts); c.290T>C, p.Val97Ala (NM_001136114.2, NM_001353195.2, NM_001353199.2 and 2 more transcripts); c.551T>C, p.Val184Ala (NM_001353196.2); c.185T>C, p.Val62Ala (NM_001353200.2, NM_001374695.1); short protein forms V214A, V62A, V160A, V184A, V97A.
Identifiers: ClinVar variation 499965 (VCV000499965.9), dbSNP rs919829316, ClinGen allele CA200784371.

ClinVar aggregate classification (germline): Uncertain significance. Review status: criteria provided, multiple submitters, no conflicts (2 of 4 stars). 2 submissions from 2 submitters: Uncertain significance (2). Last evaluated 2021-08-31.

Conditions:
Autosomal recessive limb-girdle muscular dystrophy type 2K. Also called: MUSCULAR DYSTROPHY-DYSTROGLYCANOPATHY (LIMB-GIRDLE), TYPE C, 1; MUSCULAR DYSTROPHY, LIMB-GIRDLE, TYPE 2K. Identifiers: Orphanet 86812, MedGen C1836373, MONDO:0012248, OMIM 609308.
Muscular dystrophy-dystroglycanopathy (congenital with impaired intellectual development), type B, 1. Also called: Muscular dystrophy-dystroglycanopathy (congenital with intellectual disability), type B1; MUSCULAR DYSTROPHY, CONGENITAL, POMT1-RELATED. Identifiers: MedGen C5436962, MONDO:0013159, OMIM 613155.
Walker-Warburg congenital muscular dystrophy. Also called: Muscular dystrophy-dystroglycanopathy, type A; Walker-Warburg syndrome. Identifiers: Orphanet 899, MedGen C0265221, MONDO:0000171.

Allele frequency attached by ClinVar (database versions not stated): TOPMed below 0.00001; gnomAD exomes below 0.00001.
gnomAD v4.1: 3 of 1,614,242 alleles (0.00019%); highest among the groups gnomAD compares: East Asian, 0.0022%; no homozygotes.

Submissions (2):

Labcorp Genetics (formerly Invitae), Labcorp
Classification: Uncertain significance for Muscular dystrophy-dystroglycanopathy (congenital with impaired intellectual development), type B, 1; Walker-Warburg congenital muscular dystrophy; Autosomal recessive limb-girdle muscular dystrophy type 2K. Last evaluated: 2021-08-31. Review status: criteria provided, single submitter. Criteria: Invitae Variant Classification Sherloc (09022015). Collection method: clinical testing. Allele origin: germline.
Comment: This sequence change replaces valine with alanine at codon 214 of the POMT1 protein (p.Val214Ala). The valine residue is moderately conserved and there is a small physicochemical difference between valine and alanine. This variant is not present in population databases (ExAC no frequency). This variant has not been reported in the literature in individuals affected with POMT1-related conditions. ClinVar contains an entry for this variant (Variation ID: 499965). Algorithms developed to predict the effect of missense changes on protein structure and function (SIFT, PolyPhen-2, Align-GVGD) all suggest that this variant is likely to be tolerated. In summary, the available evidence is currently insufficient to determine the role of this variant in disease. Therefore, it has been classified as a Variant of Uncertain Significance.

Eurofins Ntd Llc (ga)
Classification: Uncertain significance. Last evaluated: 2017-01-18. Review status: criteria provided, single submitter. Criteria: EGL Classification Definitions 2015. Collection method: clinical testing. Allele origin: germline. Observed: 1 variant allele, 1 heterozygote.